The following is an entry in ClinVar:

ClinVar aggregate classification (germline): Likely pathogenic (1 of 4 stars; one submission).

Conditions:
Hereditary cancer-predisposing syndrome. Also called: Neoplastic Syndromes, Hereditary; Tumor predisposition; Hereditary Cancer Syndrome; Hereditary neoplastic syndrome. Identifiers: Orphanet 140162, MedGen C0027672, MeSH D009386, MONDO:0015356.

Submission:

Ambry Genetics
Classification: Likely pathogenic for Hereditary cancer-predisposing syndrome. Last evaluated: 2018-08-23. Review status: criteria provided, single submitter. Criteria: Ambry Variant Classification Scheme 2023. Collection method: clinical testing. Allele origin: germline.
Comment: The c.2174+2delT intronic variant, located in intron 12 of the PMS2 gene, results from a deletion of one nucleotide at the +2 position downstream of coding exon 12 of the PMS2 gene. This nucleotide position is well conserved in available vertebrate species. Using the BDGP and ESEfinder splice site prediction tools, this alteration is predicted to abolish the native splice donor site; however, direct evidence is unavailable. Alterations that disrupt the canonical splice site are expected to cause aberrant splicing, resulting in an abnormal protein or a transcript that is subject to nonsense-mediated mRNA decay. As such, this alteration is classified as likely pathogenic.

NM_000535.7(PMS2):c.2174+2del

Gene: PMS2 (PMS1 homolog 2, mismatch repair system component; minus strand). Cytogenetic location: 7p22.1.
Variant type: Deletion.
Coding change: c.2174+2del on transcript NM_000535.7 (MANE Select); the canonical splice donor site of the intron after coding-DNA position 2174, one base deleted (T; older notation c.2174+2delT).
Molecular consequence: splice donor variant. On other transcripts: intron variant (4).
Genome position (GRCh38, 1-based): chr7:5,982,822, A deleted on the plus strand (T on the coding strand, the reverse complement: PMS2 is on the minus strand). VCF-style (leftmost placement, unchanged base first): chr7-5982821-CA-C. GRCh37 (hg19) VCF-style: chr7-6022452-CA-C.
Other names: c.1856+2del (NM_001322008.2, NM_001406883.1, NM_001322007.2 and 1 more transcripts); c.1865+2del (NM_001406881.1, NM_001406879.1, NM_001322015.2 and 5 more transcripts); c.1769+2del (NM_001406895.1, NM_001322004.2, NM_001406889.1 and 14 more transcripts); c.1403+2del (NM_001406911.1); c.1613+2del (NM_001322010.2, NM_001406906.1, NM_001406907.1); c.1700+2del (NM_001406902.1, NM_001406901.1); c.1661+2del (NM_001406904.1, NM_001406905.1); c.1601+2del (NM_001322013.2, NM_001406909.1); and 16 more.
Identifiers: ClinVar variation 1787146 (VCV001787146.2), dbSNP rs2535526578, ClinGen allele CA2580076744.